The following is an entry in ClinVar:

ClinVar aggregate classification (germline): Uncertain significance (1 of 4 stars; one submission).

gnomAD v4.1: 1 of 1,612,432 alleles (0.000062%); highest among the groups gnomAD compares: East Asian, 0.0022%; no homozygotes.

Submission:

Labcorp Genetics (formerly Invitae), Labcorp
Classification: Uncertain significance. Last evaluated: 2024-02-24. Review status: criteria provided, single submitter. Criteria: Invitae Variant Classification Sherloc (09022015). Collection method: clinical testing. Allele origin: germline.
Comment: This sequence change replaces glutamic acid, which is acidic and polar, with aspartic acid, which is acidic and polar, at codon 669 of the HK1 protein (p.Glu669Asp). This variant is not present in population databases (gnomAD no frequency). This variant has not been reported in the literature in individuals affected with HK1-related conditions. ClinVar contains an entry for this variant (Variation ID: 1486773). An algorithm developed to predict the effect of missense changes on protein structure and function (PolyPhen-2) suggests that this variant is likely to be tolerated. In summary, the available evidence is currently insufficient to determine the role of this variant in disease. Therefore, it has been classified as a Variant of Uncertain Significance.

NM_000188.3(HK1):c.2007G>T (p.Glu669Asp)

Gene: HK1 (hexokinase 1; plus strand). Cytogenetic location: 10q22.1.
Variant type: single nucleotide variant.
Coding change: c.2007G>T on transcript NM_000188.3 (MANE Select); coding-DNA position 2007, G replaced by T.
Protein change: p.Glu669Asp; replaces glutamic acid 669 with aspartic acid.
Molecular consequence: missense variant.
Genome position (GRCh38, 1-based): chr10:69,389,268, G>T. VCF-style: chr10-69389268-G-T. GRCh37 (hg19) VCF-style: chr10-71149024-G-T.
Other names: c.2019G>T, p.Glu673Asp (NM_001322364.2, NM_001358263.1, NM_033497.3 and 1 more transcripts); c.2112G>T, p.Glu704Asp (NM_001322365.2); c.1923G>T, p.Glu641Asp (NM_001322366.1); c.1911G>T, p.Glu637Asp (NM_001322367.1); c.2004G>T, p.Glu668Asp (NM_033496.3); c.1971G>T, p.Glu657Asp (NM_033500.2); short protein forms E641D, E637D, E657D, E668D, E669D, E673D, E704D.
Identifiers: ClinVar variation 1486773 (VCV001486773.6), dbSNP rs117797901, ClinGen allele CA376913713.